The following is an entry in ClinVar:

NM_001457.4(FLNB):c.2931G>A (p.Leu977=)

Gene: FLNB (filamin B; plus strand). Cytogenetic location: 3p14.3.
Variant type: single nucleotide variant.
Coding change: c.2931G>A on transcript NM_001457.4 (MANE Select); coding-DNA position 2931, G replaced by A.
Protein change: p.Leu977=; no amino-acid change (leucine 977 retained).
Molecular consequence: synonymous variant.
Genome position (GRCh38, 1-based): chr3:58,121,308, G>A. VCF-style: chr3-58121308-G-A. GRCh37 (hg19) VCF-style: chr3-58107035-G-A.
Other names: c.2931G>A, p.Leu977= (NM_001164317.2, NM_001164318.2, NM_001164319.2).
Identifiers: ClinVar variation 346328 (VCV000346328.31), dbSNP rs574484752, ClinGen allele CA2468282.

ClinVar aggregate classification (germline): Benign/Likely benign. Review status: criteria provided, multiple submitters, no conflicts (2 of 4 stars). 5 submissions from 5 submitters: Benign (1); Likely benign (4). Last evaluated 2025-12-23.

Conditions:
Connective tissue disorder. Also called: Connective tissue disease. Identifiers: MedGen C0009782, MONDO:0003900.
FLNB-Related Spectrum Disorders.

Allele frequency attached by ClinVar (database versions not stated): gnomAD 0.00012 and 0.00016; TOPMed 0.00012; 1000 Genomes Project 30x 0.00016; 1000 Genomes Project 0.00020; gnomAD exomes 0.00021 and 0.00031; ExAC 0.00033.
gnomAD v4.1: 330 of 1,614,186 alleles (0.02%); highest among the groups gnomAD compares: Middle Eastern, 0.23%; 3 homozygotes.

Submissions (5):

Labcorp Genetics (formerly Invitae), Labcorp
Classification: Benign. Last evaluated: 2025-12-23. Review status: criteria provided, single submitter. Criteria: Invitae Variant Classification Sherloc (09022015). Collection method: clinical testing. Allele origin: germline.

Blueprint Genetics
Classification: Likely benign. Last evaluated: 2024-11-06. Review status: criteria provided, single submitter. Criteria: ACMG Guidelines, 2015. Collection method: clinical testing. Allele origin: germline.

CeGaT Center for Human Genetics Tuebingen
Classification: Likely benign. Last evaluated: 2024-11-01. Review status: criteria provided, single submitter. Criteria: CeGaT Center For Human Genetics Tuebingen Variant Classification Criteria Version 2. Collection method: clinical testing. Allele origin: germline. Affected: yes. Observed: 1 variant allele.
Comment: FLNB: BP4, BS2

Genome Diagnostics Laboratory, The Hospital for Sick Children
Classification: Likely benign for Connective tissue disorder. Last evaluated: 2019-05-01. Review status: criteria provided, single submitter. Criteria: ACMG Guidelines, 2015. Collection method: clinical testing. Allele origin: germline.

Illumina Laboratory Services, Illumina
Classification: Likely benign for FLNB-Related Spectrum Disorders. Last evaluated: 2018-01-13. Review status: criteria provided, single submitter. Criteria: ICSL Variant Classification Criteria 13 December 2019. Collection method: clinical testing. Allele origin: germline.
Comment: This variant was observed in the ICSL laboratory as part of a predisposition screen in an ostensibly healthy population. It had not been previously curated by ICSL or reported in the Human Gene Mutation Database (HGMD: prior to June 1st, 2018), and was therefore a candidate for classification through an automated scoring system. Utilizing variant allele frequency, disease prevalence and penetrance estimates, and inheritance mode, an automated score was calculated to assess if this variant is too frequent to cause the disease. Based on the score and internal cut-off values, a variant classified as likely benign is not then subjected to further curation. The score for this variant resulted in a classification of likely benign for this disease.